The following is an entry in ClinVar:

ClinVar aggregate classification (germline): Uncertain significance. Review status: criteria provided, multiple submitters, no conflicts (2 of 4 stars). 5 submissions from 5 submitters: Uncertain significance (4). 1 of the submissions does not count toward it. Last evaluated 2024-06-24.

Conditions:
Bardet-Biedl syndrome (BBS). Identifiers: Orphanet 110, MedGen C0752166, MONDO:0015229.
Bardet-Biedl syndrome 1 (BBS1). Identifiers: MedGen C2936862, MONDO:0008854, OMIM 209900. Disease mechanism: loss of function.
BBS1-related disorder. Also called: BBS1-related condition.

Allele frequency attached by ClinVar (database versions not stated): TOPMed 0.00004; gnomAD 0.00001.
gnomAD v4.1: 62 of 1,614,068 alleles (0.0038%); highest among the groups gnomAD compares: Non-Finnish European, 0.0042%; no homozygotes.

Submissions (6):

Fulgent Genetics
Classification: Uncertain significance for Bardet-Biedl syndrome 1. Last evaluated: 2024-06-24. Review status: criteria provided, single submitter. Criteria: ACMG Guidelines, 2015. Collection method: clinical testing. Allele origin: germline.

Labcorp Genetics (formerly Invitae), Labcorp
Classification: Uncertain significance for Bardet-Biedl syndrome. Last evaluated: 2022-10-13. Review status: criteria provided, single submitter. Criteria: Invitae Variant Classification Sherloc (09022015). Collection method: clinical testing. Allele origin: germline.
Comment: This sequence change replaces glycine, which is neutral and non-polar, with arginine, which is basic and polar, at codon 382 of the BBS1 protein (p.Gly382Arg). This variant is present in population databases (rs377297999, gnomAD 0.006%). This variant has not been reported in the literature in individuals affected with BBS1-related conditions. ClinVar contains an entry for this variant (Variation ID: 806695). Advanced modeling of protein sequence and biophysical properties (such as structural, functional, and spatial information, amino acid conservation, physicochemical variation, residue mobility, and thermodynamic stability) performed at Invitae indicates that this missense variant is expected to disrupt BBS1 protein function. In summary, the available evidence is currently insufficient to determine the role of this variant in disease. Therefore, it has been classified as a Variant of Uncertain Significance.

Blueprint Genetics
Classification: Uncertain significance. Last evaluated: 2021-06-30. Review status: criteria provided, single submitter. Criteria: ACMG Guidelines, 2015. Collection method: clinical testing. Allele origin: germline.

CeGaT Center for Human Genetics Tuebingen
Classification: Uncertain significance. Last evaluated: 2016-09-01. Review status: criteria provided, single submitter. Criteria: CeGaT Center For Human Genetics Tuebingen Variant Classification Criteria Version 2. Collection method: clinical testing. Allele origin: germline. Affected: yes. Observed: 1 variant allele.

PreventionGenetics, part of Exact Sciences
Classification: Uncertain significance for BBS1-related condition. Last evaluated: 2024-06-17. Review status: no assertion criteria provided. Collection method: clinical testing. Allele origin: germline. Not counted in ClinVar's aggregate classification.
Comment: The BBS1 c.1144G>A variant is predicted to result in the amino acid substitution p.Gly382Arg. To our knowledge, this variant has not been reported in the literature. This variant is reported in 0.0058% of alleles in individuals of Latino descent in gnomAD. At this time, the clinical significance of this variant is uncertain due to the absence of conclusive functional and genetic evidence.

Dr. Peter K. Rogan Lab, Western University
No classification provided (evidence only). Condition: Acute myeloid leukemia. Review status: no classification provided. Collection method: in vitro. Allele origin: not applicable. Functional consequence: retained intron. Not counted in ClinVar's aggregate classification.

NM_024649.5(BBS1):c.1144G>A (p.Gly382Arg)

Genes: ZDHHC24 (zDHHC palmitoyltransferase 24; minus strand), BBS1 (Bardet-Biedl syndrome 1; plus strand). Cytogenetic location: 11q13.2.
Variant type: single nucleotide variant.
Coding change: c.1144G>A on transcript NM_024649.5 (MANE Select); coding-DNA position 1144, G replaced by A.
Protein change: p.Gly382Arg; replaces glycine 382 with arginine.
Molecular consequence: missense variant. On other transcripts: intron variant (1).
Genome position (GRCh38, 1-based): chr11:66,526,156, G>A. VCF-style: chr11-66526156-G-A. GRCh37 (hg19) VCF-style: chr11-66293627-G-A.
Other names: c.*21+780C>T (NM_001348571.2); c.1144G>A (NM_024649.4); short protein forms G382R.
Identifiers: ClinVar variation 806695 (VCV000806695.46), dbSNP rs377297999, ClinGen allele CA6123637.